The following is an entry in ClinVar:

ClinVar aggregate classification (germline): Pathogenic (1 of 4 stars; one submission).

Submission:

Labcorp Genetics (formerly Invitae), Labcorp
Classification: Pathogenic. Last evaluated: 2024-02-25. Review status: criteria provided, single submitter. Criteria: Invitae Variant Classification Sherloc (09022015). Collection method: clinical testing. Allele origin: germline.
Comment: This sequence change creates a premature translational stop signal (p.Ile106Metfs*80) in the EPS8L2 gene. It is expected to result in an absent or disrupted protein product. Loss-of-function variants in EPS8L2 are known to be pathogenic (PMID: 26282398, 28281779). This variant is present in population databases (no rsID available, gnomAD 0.01%). This variant has not been reported in the literature in individuals affected with EPS8L2-related conditions. For these reasons, this variant has been classified as Pathogenic.

Literature cited by the submitters: PubMed 26282398; PubMed 28281779.

NM_022772.4(EPS8L2):c.318del (p.Ile106fs)

Gene: EPS8L2 (EPS8 signaling adaptor L2; plus strand). Cytogenetic location: 11p15.5.
Variant type: Deletion.
Coding change: c.318del on transcript NM_022772.4 (MANE Select); coding-DNA position 318, one base deleted (C; older notation c.318delC).
Protein change: p.Ile106fs; shifts the reading frame from isoleucine 106.
Molecular consequence: frameshift variant.
Genome position (GRCh38, 1-based): chr11:720,214, C deleted. VCF-style (leftmost placement, unchanged base first): chr11-720213-TC-T. GRCh37 (hg19) VCF-style: chr11-720213-TC-T.
Other names: short protein forms I106fs.
Identifiers: ClinVar variation 3609141 (VCV003609141.2).
Genomic context (GRCh38, chr11:720,213, plus strand): 5'-AGATCTGGACCCAGGAGATGCTGCTGCAGGTGAACGACCAGTCGCTGCGGCTGCTGGACA[TC>T]GAGTCACAGGTGGGGCCCAGCGCCACGGGGGACAGGGAGCACAGTGGGTAGAGGCGGTGG-3'